The following is an entry in ClinVar:

ClinVar aggregate classification (germline): Uncertain significance (1 of 4 stars; one submission).

Conditions:
Epidermolysis bullosa simplex with nail dystrophy (EBS5D). Identifiers: MedGen C4225309, MONDO:0014661, OMIM 616487.
Epidermolysis bullosa simplex, Ogna type (EBS5A). Also called: EPIDERMOLYSIS BULLOSA SIMPLEX 5A, OGNA TYPE; Pidermolysis bullosa simplex 5A, Ogna type. Identifiers: Orphanet 79401, MedGen C0432317, MONDO:0007555, OMIM 131950.
Epidermolysis bullosa simplex 5C, with pyloric atresia (EBS5C). Also called: PLEC1-Related Epidermolysis Bullosa with Pyloric Atresia; PLEC-Related Epidermolysis Bullosa with Pyloric Atresia; Epidermolysis bullosa simplex with pyloric atresia. Identifiers: Orphanet 158684, MedGen C2677349, MONDO:0012807, OMIM 612138.
Autosomal recessive limb-girdle muscular dystrophy type 2Q (LGMDR17). Also called: MUSCULAR DYSTROPHY, LIMB-GIRDLE, AUTOSOMAL RECESSIVE 17. Identifiers: Orphanet 254361, MedGen C3150989, MONDO:0013390, OMIM 613723.
Epidermolysis bullosa simplex 5B, with muscular dystrophy (EBS5B). Also called: EPIDERMOLYSIS BULLOSA SIMPLEX AND LIMB-GIRDLE MUSCULAR DYSTROPHY; Epidermolysis bullosa simplex with muscular dystrophy. Identifiers: Orphanet 257, MedGen C2931072, MONDO:0009181, OMIM 226670.

Submission:

Labcorp Genetics (formerly Invitae), Labcorp
Classification: Uncertain significance for Autosomal recessive limb-girdle muscular dystrophy type 2Q; Epidermolysis bullosa simplex, Ogna type; Epidermolysis bullosa simplex with nail dystrophy; Epidermolysis bullosa simplex 5C, with pyloric atresia; Epidermolysis bullosa simplex 5B, with muscular dystrophy. Last evaluated: 2023-12-09. Review status: criteria provided, single submitter. Criteria: Invitae Variant Classification Sherloc (09022015). Collection method: clinical testing. Allele origin: germline.
Comment: This sequence change replaces glutamine, which is neutral and polar, with arginine, which is basic and polar, at codon 1421 of the PLEC protein (p.Gln1421Arg). This variant is not present in population databases (gnomAD no frequency). This variant has not been reported in the literature in individuals affected with PLEC-related conditions. Experimental studies and prediction algorithms are not available or were not evaluated, and the functional significance of this variant is currently unknown. In summary, the available evidence is currently insufficient to determine the role of this variant in disease. Therefore, it has been classified as a Variant of Uncertain Significance.

NM_201384.3(PLEC):c.4181A>G (p.Gln1394Arg)

Gene: PLEC (plectin; minus strand). Cytogenetic location: 8q24.3.
Variant type: single nucleotide variant.
Coding change: c.4181A>G on transcript NM_201384.3 (MANE Select); coding-DNA position 4181, A replaced by G.
Protein change: p.Gln1394Arg; replaces glutamine 1394 with arginine.
Molecular consequence: missense variant. On other transcripts: intron variant (1).
Genome position (GRCh38, 1-based): chr8:143,925,748, T>C on the plus strand (A>G on the coding strand, the complement: PLEC is on the minus strand). VCF-style: chr8-143925748-T-C. GRCh37 (hg19) VCF-style: chr8-144999916-T-C.
Other names: c.4262A>G, p.Gln1421Arg (NM_000445.5); c.4139A>G, p.Gln1380Arg (NM_201378.4); c.4115A>G, p.Gln1372Arg (NM_201379.3); c.4592A>G, p.Gln1531Arg (NM_201380.4); c.4085A>G, p.Gln1362Arg (NM_201381.3); c.4181A>G, p.Gln1394Arg (NM_201382.4); c.4193A>G, p.Gln1398Arg (NM_201383.3); c.4125+1036A>G (NM_001410941.1); short protein forms Q1362R, Q1398R, Q1380R, Q1531R, Q1394R, Q1421R, Q1372R.
Identifiers: ClinVar variation 2924307 (VCV002924307.3), dbSNP rs2538100934, ClinGen allele CA372560744.
Genomic context (GRCh38, chr8:143,925,748, plus strand): 5'-TGCTGCTGCGCGTCCACCGCCGCCTCCTCCCGCCGCACCACCTCCTCCTGCATGCGCTGC[T>C]GCAGCTCCTTCGCCTCCCGCTCCGCCTGTGCCTTTGCCTGGGCGTGCGCCTCGGCCAGCT-3'
Protein context (NP_958786.1, residues 1384-1404): AQAEREAKEL[Gln1394Arg]QRMQEEVVRR